The following is an entry in ClinVar:

NM_199242.3(UNC13D):c.1977C>T (p.Thr659=)

Gene: UNC13D (unc-13 homolog D; minus strand). Cytogenetic location: 17q25.1.
Variant type: single nucleotide variant.
Coding change: c.1977C>T on transcript NM_199242.3 (MANE Select); coding-DNA position 1977, C replaced by T.
Protein change: p.Thr659=; no amino-acid change (threonine 659 retained).
Molecular consequence: synonymous variant.
Genome position (GRCh38, 1-based): chr17:75,834,935, G>A on the plus strand (C>T on the coding strand, the complement: UNC13D is on the minus strand). VCF-style: chr17-75834935-G-A. GRCh37 (hg19) VCF-style: chr17-73831016-G-A.
Other names: p.Thr659=.
Identifiers: ClinVar variation 263220 (VCV000263220.19), dbSNP rs2290770, ClinGen allele CA8772737.

ClinVar aggregate classification (germline): Benign/Likely benign. Review status: criteria provided, multiple submitters, no conflicts (2 of 4 stars). 7 submissions from 7 submitters: Benign (6); Likely benign (1). Last evaluated 2026-02-04.

Conditions:
Familial hemophagocytic lymphohistiocytosis 3 (FHL3). Also called: UNC13D-Related Familial Hemophagocytic Lymphohistiocytosis (UNC13D-fHLH). Identifiers: Orphanet 540, MedGen C1837174, MONDO:0012146, OMIM 608898.

Allele frequency attached by ClinVar (database versions not stated): gnomAD exomes 0.01214 and 0.03016; ESP Exome Variant Server 0.01761; gnomAD 0.02469 and 0.02754; TOPMed 0.03014; ExAC 0.03181; 1000 Genomes Project 30x 0.07620; 1000 Genomes Project 0.07987.
gnomAD v4.1: 22,320 of 1,614,026 alleles (1.4%); highest among the groups gnomAD compares: East Asian, 28%; 2,047 homozygotes.

Submissions (7):

Labcorp Genetics (formerly Invitae), Labcorp
Classification: Benign for Familial hemophagocytic lymphohistiocytosis 3. Last evaluated: 2026-02-04. Review status: criteria provided, single submitter. Criteria: Invitae Variant Classification Sherloc (09022015). Collection method: clinical testing. Allele origin: germline.

Blueprint Genetics
Classification: Likely benign. Last evaluated: 2024-11-27. Review status: criteria provided, single submitter. Criteria: ACMG Guidelines, 2015. Collection method: clinical testing. Allele origin: germline.

Mayo Clinic Laboratories, Mayo Clinic
Classification: Benign. Last evaluated: 2022-09-06. Review status: criteria provided, single submitter. Criteria: ACMG Guidelines, 2015. Collection method: clinical testing. Allele origin: germline. Observed: 27 variant alleles.

GeneDx
Classification: Benign. Last evaluated: 2018-11-12. Review status: criteria provided, single submitter. Criteria: GeneDx Variant Classification Process June 2021. Collection method: clinical testing. Allele origin: germline. Affected: yes.

Illumina Laboratory Services, Illumina
Classification: Benign for Familial hemophagocytic lymphohistiocytosis 3. Last evaluated: 2018-01-13. Review status: criteria provided, single submitter. Criteria: ICSL Variant Classification Criteria 13 December 2019. Collection method: clinical testing. Allele origin: germline.
Comment: This variant was observed in the ICSL laboratory as part of a predisposition screen in an ostensibly healthy population. It had not been previously curated by ICSL or reported in the Human Gene Mutation Database (HGMD: prior to June 1st, 2018), and was therefore a candidate for classification through an automated scoring system. Utilizing variant allele frequency, disease prevalence and penetrance estimates, and inheritance mode, an automated score was calculated to assess if this variant is too frequent to cause the disease. Based on the score and internal cut-off values, a variant classified as benign is not then subjected to further curation. The score for this variant resulted in a classification of benign for this disease.

Breakthrough Genomics
Classification: Benign. Review status: criteria provided, single submitter. Criteria: ACMG Guidelines, 2015. Collection method: not provided. Allele origin: germline. Inheritance: Autosomal recessive inheritance. Affected: yes.

PreventionGenetics, part of Exact Sciences
Classification: Benign. Review status: criteria provided, single submitter. Criteria: ACMG Guidelines, 2015. Collection method: clinical testing. Allele origin: germline.